The following is an entry in ClinVar:

ClinVar aggregate classification (germline): Uncertain significance (1 of 4 stars; one submission).

Conditions:
Hereditary spastic paraplegia 50 (SPG50). Also called: Spastic paraplegia 50, autosomal recessive. Identifiers: Orphanet 280763, MedGen C2752008, MONDO:0013048, OMIM 612936.

Allele frequency attached by ClinVar (database versions not stated): gnomAD exomes below 0.00001; TOPMed 0.00001.

Submission:

Labcorp Genetics (formerly Invitae), Labcorp
Classification: Uncertain significance for Hereditary spastic paraplegia 50. Last evaluated: 2022-08-19. Review status: criteria provided, single submitter. Criteria: Invitae Variant Classification Sherloc (09022015). Collection method: clinical testing. Allele origin: germline.
Comment: This sequence change replaces serine, which is neutral and polar, with leucine, which is neutral and non-polar, at codon 308 of the AP4M1 protein (p.Ser308Leu). This variant is present in population databases (no rsID available, gnomAD 0.005%). This variant has not been reported in the literature in individuals affected with AP4M1-related conditions. ClinVar contains an entry for this variant (Variation ID: 1485748). Algorithms developed to predict the effect of missense changes on protein structure and function output the following: SIFT: "Deleterious"; PolyPhen-2: "Benign"; Align-GVGD: "Class C0". The leucine amino acid residue is found in multiple mammalian species, which suggests that this missense change does not adversely affect protein function. In summary, the available evidence is currently insufficient to determine the role of this variant in disease. Therefore, it has been classified as a Variant of Uncertain Significance.

NM_004722.4(AP4M1):c.923C>T (p.Ser308Leu)

Gene: AP4M1 (adaptor related protein complex 4 subunit mu 1; plus strand). Cytogenetic location: 7q22.1.
Variant type: single nucleotide variant.
Coding change: c.923C>T on transcript NM_004722.4 (MANE Select); coding-DNA position 923, C replaced by T.
Protein change: p.Ser308Leu; replaces serine 308 with leucine.
Molecular consequence: missense variant.
Genome position (GRCh38, 1-based): chr7:100,105,533, C>T. VCF-style: chr7-100105533-C-T. GRCh37 (hg19) VCF-style: chr7-99703156-C-T.
Other names: c.944C>T, p.Ser315Leu (NM_001363671.2); short protein forms S315L, S308L.
Identifiers: ClinVar variation 1485748 (VCV001485748.8), dbSNP rs1131691556, ClinGen allele CA368473060.